The following is an entry in ClinVar:

ClinVar aggregate classification (germline): Uncertain significance. Review status: criteria provided, single submitter (1 of 4 stars). 2 submissions from 2 submitters: Uncertain significance (1). 1 of the submissions does not count toward it. Last evaluated 2022-10-13.

Conditions:
TH-deficient dopa-responsive dystonia. Also called: Tyrosine Hydroxylase-Deficient Dopa-Responsive Dystonia; DYT-TH; Segawa syndrome, autosomal recessive. Identifiers: Orphanet 101150, MedGen C2673535, MONDO:0011551, OMIM 605407.

Allele frequency attached by ClinVar (database versions not stated): TOPMed 0.00004; gnomAD exomes 0.00010 and 0.00003; gnomAD 0.00001; ExAC 0.00009.
gnomAD v4.1: 43 of 1,612,728 alleles (0.0027%); highest among the groups gnomAD compares: East Asian, 0.031%; no homozygotes.

Submissions (2):

Labcorp Genetics (formerly Invitae), Labcorp
Classification: Uncertain significance for TH-deficient dopa-responsive dystonia. Last evaluated: 2022-10-13. Review status: criteria provided, single submitter. Criteria: Invitae Variant Classification Sherloc (09022015). Collection method: clinical testing. Allele origin: germline.
Comment: This sequence change replaces arginine, which is basic and polar, with cysteine, which is neutral and slightly polar, at codon 15 of the TH protein (p.Arg15Cys). This variant is present in population databases (rs573547573, gnomAD 0.1%). This variant has not been reported in the literature in individuals affected with TH-related conditions. ClinVar contains an entry for this variant (Variation ID: 655788). Advanced modeling of protein sequence and biophysical properties (such as structural, functional, and spatial information, amino acid conservation, physicochemical variation, residue mobility, and thermodynamic stability) has been performed at Invitae for this missense variant, however the output from this modeling did not meet the statistical confidence thresholds required to predict the impact of this variant on TH protein function. In summary, the available evidence is currently insufficient to determine the role of this variant in disease. Therefore, it has been classified as a Variant of Uncertain Significance.

Natera, Inc.
Classification: Uncertain significance for Autosomal recessive Segawa syndrome. Last evaluated: 2020-09-16. Review status: no assertion criteria provided. Collection method: clinical testing. Allele origin: germline. Not counted in ClinVar's aggregate classification.

NM_000360.4(TH):c.43C>T (p.Arg15Cys)

Gene: TH (tyrosine hydroxylase; minus strand). Cytogenetic location: 11p15.5.
Variant type: single nucleotide variant.
Coding change: c.43C>T on transcript NM_000360.4 (MANE Select); coding-DNA position 43, C replaced by T.
Protein change: p.Arg15Cys; replaces arginine 15 with cysteine.
Molecular consequence: missense variant.
Genome position (GRCh38, 1-based): chr11:2,171,744, G>A on the plus strand (C>T on the coding strand, the complement: TH is on the minus strand). VCF-style: chr11-2171744-G-A. GRCh37 (hg19) VCF-style: chr11-2192974-G-A.
Other names: c.43C>T, p.Arg15Cys (NM_199292.3, NM_199293.3); short protein forms R15C.
Identifiers: ClinVar variation 655788 (VCV000655788.4), dbSNP rs573547573, ClinGen allele CA5818882.
Genomic context (GRCh38, chr11:2,171,744, plus strand): 5'-CCTGCCCTCTTACCATGATGGCCTCTGCCTGCTTGGCGTCCAGCTCAGACACGGCCCTGC[G>A]GAAGCCCTTGGCCTGTGGCGTGGTGGCGTCGGGGGTGGGCATGGCTCAGTGTGGAGGTCC-3'
Protein context (NP_000351.2, residues 5-25): DATTPQAKGF[Arg15Cys]RAVSELDAKQ